The following is an entry in ClinVar:

NC_000011.9:g.(?_31669269)_(32460464_?)del

Genes: ELP4 (elongator acetyltransferase complex subunit 4; plus strand), PAX6 (paired box 6; minus strand), RCN1 (reticulocalbin 1; plus strand), WT1 (WT1 transcription factor; minus strand), WT1-AS (WT1 antisense RNA; plus strand). Cytogenetic location: 11p13.
Variant type: Deletion.
Identifiers: ClinVar variation 1454826 (VCV001454826.38).

ClinVar aggregate classification (germline): no classifications from unflagged records (0 of 4 stars; one submission).

Submission:

Labcorp Genetics (formerly Invitae), Labcorp
Classification: Uncertain significance. Last evaluated: 2021-12-06. Review status: flagged submission. Criteria: Invitae Variant Classification Sherloc (09022015). Collection method: clinical testing. Allele origin: germline.
Comment: In summary, the available evidence is currently insufficient to determine the role of this variant in disease. Therefore, it has been classified as a Variant of Uncertain Significance. This variant has not been reported in the literature in individuals affected with ELP4-related conditions. This variant is a gross deletion of the genomic region encompassing exon(s) 8-10 of the ELP4 gene, which includes the termination codon. This deletion extends beyond the assayed region for this gene and therefore may encompass additional genes. While this deletion is not anticipated to lead to nonsense mediated decay, it is expected to alter mRNA translation or result in a truncated protein product.
ClinVar note: Notes: This submission was flagged because its interpretation of this variant conflicts with the ClinGen Gene Dosage Map curations for the following genes: WT1 PAX6.
ClinVar note: Reason: Conflict with ClinGen Gene Dosage Map